The following is an entry in ClinVar:

NM_014712.3(SETD1A):c.4951-3C>T

Gene: SETD1A (SET domain containing 1A, histone lysine methyltransferase; plus strand). Cytogenetic location: 16p11.2.
Variant type: single nucleotide variant.
Coding change: c.4951-3C>T on transcript NM_014712.3 (MANE Select); 3 bases into the intron before coding-DNA position 4951, C replaced by T.
Molecular consequence: intron variant.
Genome position (GRCh38, 1-based): chr16:30,983,847, C>T. VCF-style: chr16-30983847-C-T. GRCh37 (hg19) VCF-style: chr16-30995168-C-T.
Identifiers: ClinVar variation 4887741 (VCV004887741.1).
Genomic context (GRCh38, chr16:30,983,847, plus strand): 5'-AGCCGGGGCAGGAGTTGGGGGTCGGTGGGGGTGGCCACGGCTCACACGCCCTTCCATCCG[C>T]AGCCTAACTGCTACGCCAAGGTCATCACCATCGAGTCCCAGAAGAAGATCGTGATCTACT-3'

ClinVar aggregate classification (germline): Uncertain significance (1 of 4 stars; one submission).

Submission:

Women's Health and Genetics/Laboratory Corporation of America, LabCorp
Classification: Uncertain significance. Last evaluated: 2026-06-23. Review status: criteria provided, single submitter. Criteria: LabCorp Variant Classification Summary - May 2015. Collection method: clinical testing. Allele origin: germline.
Comment: Variant summary: SETD1A c.4951-3C>T alters a conserved nucleotide located close to a canonical splice site and therefore could affect mRNA splicing, leading to a significantly altered protein sequence. Consensus agreement among computation tools predict no significant impact on normal splicing. However, these predictions have yet to be confirmed by functional studies. The variant was absent in 274054 control chromosomes. The available data on variant occurrences in the general population are insufficient to allow any conclusion about variant significance. To our knowledge, no occurrence of c.4951-3C>T in individuals affected with SETD1A-related conditions and no experimental evidence demonstrating its impact on protein function have been reported. No submitters have cited clinical-significance assessments for this variant to ClinVar. Based on the evidence outlined above, the variant was classified as uncertain significance.